The following is an entry in ClinVar:

ClinVar aggregate classification (germline): Uncertain significance (1 of 4 stars; one submission).

Allele frequency attached by ClinVar (database versions not stated): gnomAD exomes below 0.00001.
gnomAD v4.1: 2 of 1,613,088 alleles (0.00012%); highest among the groups gnomAD compares: Non-Finnish European, 0.000085%; no homozygotes.

Submission:

Labcorp Genetics (formerly Invitae), Labcorp
Classification: Uncertain significance. Last evaluated: 2022-03-22. Review status: criteria provided, single submitter. Criteria: Invitae Variant Classification Sherloc (09022015). Collection method: clinical testing. Allele origin: germline.
Comment: This variant is not present in population databases (gnomAD no frequency). In summary, the available evidence is currently insufficient to determine the role of this variant in disease. Therefore, it has been classified as a Variant of Uncertain Significance. Advanced modeling of protein sequence and biophysical properties (such as structural, functional, and spatial information, amino acid conservation, physicochemical variation, residue mobility, and thermodynamic stability) performed at Invitae indicates that this missense variant is not expected to disrupt COL11A1 protein function. This variant has not been reported in the literature in individuals affected with COL11A1-related conditions. This sequence change replaces proline, which is neutral and non-polar, with serine, which is neutral and polar, at codon 1241 of the COL11A1 protein (p.Pro1241Ser).

NM_001854.4(COL11A1):c.3721C>T (p.Pro1241Ser)

Gene: COL11A1 (collagen type XI alpha 1 chain; minus strand). Cytogenetic location: 1p21.1.
Variant type: single nucleotide variant.
Coding change: c.3721C>T on transcript NM_001854.4 (MANE Select); coding-DNA position 3721, C replaced by T.
Protein change: p.Pro1241Ser; replaces proline 1241 with serine.
Molecular consequence: missense variant. On other transcripts: non-coding transcript variant (1).
Genome position (GRCh38, 1-based): chr1:102,920,352, G>A on the plus strand (C>T on the coding strand, the complement: COL11A1 is on the minus strand). VCF-style: chr1-102920352-G-A. GRCh37 (hg19) VCF-style: chr1-103385908-G-A.
Other names: c.3373C>T, p.Pro1125Ser (NM_001168249.1, NM_080630.4); c.3604C>T, p.Pro1202Ser (NM_001190709.2); c.3757C>T, p.Pro1253Ser (NM_080629.3); short protein forms P1125S, P1202S, P1241S, P1253S.
Identifiers: ClinVar variation 1928135 (VCV001928135.5), dbSNP rs2524540587, ClinGen allele CA341163914.